The following is an entry in ClinVar:

GRCh38/hg38 13q33.3-34(chr13:107918132-114327173)x1

Genes: ABHD13 (abhydrolase domain containing 13; plus strand), ADPRHL1 (ADP-ribosylhydrolase like 1; minus strand), ANKRD10 (ankyrin repeat domain 10; minus strand), ANKRD10-IT1 (ANKRD10 intronic transcript 1), ARHGEF7 (Rho guanine nucleotide exchange factor 7; plus strand) and 284 more. Cytogenetic location: 13q33.3-34.
Variant type: copy number loss.
Change: copy number 1 (one copy instead of two) of chr13:107,918,132-114,327,173 (6.41 Mb, GRCh38 coordinates, 1-based), cytogenetic band 13q33.3-34.
Identifiers: ClinVar variation 161056 (VCV000161056.1).

ClinVar aggregate classification (germline): Pathogenic (1 of 4 stars; one submission).

Submission:

ISCA site 4
Classification: Pathogenic. Last evaluated: 2011-08-12. Review status: criteria provided, single submitter. Criteria: Kaminsky et al. (Genet Med. 2011). Collection method: clinical testing. Allele origin: unknown. Affected: yes. Observed: 1 variant allele.
Comment: Copy number variation identified through the course of routine clinical cytogenomic testing in postnatal populations. Clinical assertions have been curated as described in Kaminsky et al. 2011.